The following is an entry in ClinVar:

NM_000214.3(JAG1):c.243del (p.Glu81fs)

Gene: JAG1 (jagged canonical Notch ligand 1; minus strand). Cytogenetic location: 20p12.2.
Variant type: Deletion.
Coding change: c.243del on transcript NM_000214.3 (MANE Select); coding-DNA position 243, one base deleted (G; older notation c.243delG).
Protein change: p.Glu81fs; shifts the reading frame from glutamic acid 81.
Molecular consequence: frameshift variant.
Genome position (GRCh38, 1-based): chr20:10,672,845, C deleted on the plus strand (G on the coding strand, the reverse complement: JAG1 is on the minus strand). VCF-style (leftmost placement, unchanged base first): chr20-10672844-AC-A. GRCh37 (hg19) VCF-style: chr20-10653492-AC-A.
Other names: short protein forms E81fs.
Identifiers: ClinVar variation 3647513 (VCV003647513.2).

ClinVar aggregate classification (germline): Pathogenic (1 of 4 stars; one submission).

Conditions:
Alagille syndrome due to a JAG1 point mutation. Also called: HEPATIC DUCTULAR HYPOPLASIA, SYNDROMATIC; JAG1-Related Alagille Syndrome; Alagille Syndrome 1. Identifiers: Orphanet 261619, Orphanet 52, MedGen C1956125, MONDO:0016862, OMIM 118450.

Submission:

Labcorp Genetics (formerly Invitae), Labcorp
Classification: Pathogenic for Alagille syndrome due to a JAG1 point mutation. Last evaluated: 2024-04-01. Review status: criteria provided, single submitter. Criteria: Invitae Variant Classification Sherloc (09022015). Collection method: clinical testing. Allele origin: germline.
Comment: This sequence change creates a premature translational stop signal (p.Glu81Aspfs*80) in the JAG1 gene. It is expected to result in an absent or disrupted protein product. Loss-of-function variants in JAG1 are known to be pathogenic (PMID: 11180599). This variant is not present in population databases (gnomAD no frequency). This variant has not been reported in the literature in individuals affected with JAG1-related conditions. For these reasons, this variant has been classified as Pathogenic.

Literature cited by the submitters: PubMed 11180599.